The following is an entry in ClinVar:

ClinVar aggregate classification (germline): Uncertain significance. Review status: reviewed by expert panel (3 of 4 stars). 10 submissions from 10 submitters: Uncertain significance (1). 9 of the submissions do not count toward it. Last evaluated 2023-10-08.

Conditions:
Glycogen storage disease, type II (IOPD). Also called: GLYCOGENOSIS, GENERALIZED, CARDIAC FORM; GSD II; Glucosidase acid-1,4-alpha deficiency; CARDIOMEGALIA GLYCOGENICA DIFFUSA; Glycogen storage disease type 2; Acid maltase deficiency disease. Identifiers: Orphanet 365, MedGen C0017921, MONDO:0009290, OMIM 232300.

Allele frequency attached by ClinVar (database versions not stated): gnomAD 0.00005 and 0.00004; ExAC 0.00002; TOPMed 0.00006; gnomAD exomes 0.00002.
gnomAD v4.1: 27 of 1,612,900 alleles (0.0017%); highest among the groups gnomAD compares: African/African-American, 0.016%; no homozygotes.

Submissions (10):

ClinGen Lysosomal Storage Disorder Variant Curation Expert Panel
Classification: Uncertain significance for Glycogen storage disease, type II. Last evaluated: 2023-10-08. Review status: reviewed by expert panel. Criteria: clingen_lsd_acmg_specifications_v2-1. Collection method: curation. Allele origin: germline.
Comment: The NM_000152.5:c.2510G>A variant in GAA is a missense variant predicted to cause substitution of Arginine by Histidine at amino acid 837 (p.Arg837His). The highest population minor allele frequency in gnomAD v2.1.1 is 0.00019 (3/16178 alleles) in the African population, which is lower than the ClinGen Lysosomal Diseases VCEP’s threshold for PM2_Supporting (<0.001), meeting this criterion (PM2_Supporting). The computational predictor REVEL gives a score of 0.845 which is above the threshold of 0.7, evidence that correlates with impact to GAA function (PP3). This variant has been detected in at least 3 individuals, but not with a pathogenic or likely pathogenic variant. Also, no symptoms of Pompe disease were described for any of the individuals (PMID: 27711114, internal laboratory data). Therefore, this does not meet PM3 or PP4. There is a ClinVar entry for this variant (Variation ID: 284232, 2 star review status) with 6 submitters classifying the variant as a variant of uncertain significance. In summary, this variant meets the criteria to be classified as a variant of uncertain significance for Pompe disease based on the ACMG/AMP criteria applied, as specified by the ClinGen Lysosomal Diseases Variant Curation Expert panel (specifications Version 2.0): PM2_Supporting, PP3. (Classification approved by the ClinGen Lysosomal Diseases Variant Curation Expert Panel on October 8, 2023).

Genomenon, Inc
Classification: Uncertain significance for Glycogen storage disease, type II. Last evaluated: 2026-07-01. Review status: criteria provided, single submitter. Criteria: Genomenon Sequence Variant Interpretation Standards - Updated. Collection method: curation. Allele origin: germline. Affected: no. Not counted in ClinVar's aggregate classification.
Comment: GAA p.Arg837His (c.2510G>A) is a missense variant that changes the amino acid at codon 837 from Arginine to Histidine. This variant has been reported in the published literature (PMID:37507255;27711114;34305788;30022036). It is absent or not present at a significant frequency in gnomAD. In silico models predict that this variant is possibly or probably damaging. In conclusion, we classify GAA p.Arg837His (c.2510G>A) as a variant of uncertain significance.

GeneDx
Classification: Uncertain significance. Last evaluated: 2026-03-25. Review status: criteria provided, single submitter. Criteria: GeneDx Variant Classification Process June 2021. Collection method: clinical testing. Allele origin: germline. Not counted in ClinVar's aggregate classification.
Comment: In silico analysis supports that this missense variant has a deleterious effect on protein structure/function; This variant is associated with the following publications: (PMID: 37507255, 19343043, 22253258, 39678382, 38087756)

Revvity Omics, Revvity
Classification: Uncertain significance. Last evaluated: 2025-05-05. Review status: criteria provided, single submitter. Criteria: ACMG Guidelines, 2015. Collection method: clinical testing. Allele origin: germline. Not counted in ClinVar's aggregate classification.

Women's Health and Genetics/Laboratory Corporation of America, LabCorp
Classification: Uncertain significance. Last evaluated: 2024-12-31. Review status: criteria provided, single submitter. Criteria: LabCorp Variant Classification Summary - May 2015. Collection method: clinical testing. Allele origin: germline. Not counted in ClinVar's aggregate classification.
Comment: Variant summary: GAA c.2510G>A (p.Arg837His) results in a non-conservative amino acid change in the encoded protein sequence. Five of five in-silico tools predict a damaging effect of the variant on protein function. The variant allele was found at a frequency of 2.4e-05 in 250080 control chromosomes. The available data on variant occurrences in the general population are insufficient to allow any conclusion about variant significance. c.2510G>A has been reported in the literature in individuals affected with Glycogen Storage Disease, Type 2 (Pompe Disease). These report(s) do not provide unequivocal conclusions about association of the variant with Glycogen Storage Disease, Type 2 (Pompe Disease) (Martinez-Marin_2024). To our knowledge, no experimental evidence demonstrating an impact on protein function has been reported. The following publication have been ascertained in the context of this evaluation (PMID: 38087756).ClinVar contains an entry for this variant (Variation ID: 284232). Based on the evidence outlined above, the variant was classified as uncertain significance.

Labcorp Genetics (formerly Invitae), Labcorp
Classification: Uncertain significance for Glycogen storage disease, type II. Last evaluated: 2022-10-18. Review status: criteria provided, single submitter. Criteria: Invitae Variant Classification Sherloc (09022015). Collection method: clinical testing. Allele origin: germline. Not counted in ClinVar's aggregate classification.
Comment: This sequence change replaces arginine, which is basic and polar, with histidine, which is basic and polar, at codon 837 of the GAA protein (p.Arg837His). This variant is present in population databases (rs746095374, gnomAD 0.02%). This variant has not been reported in the literature in individuals affected with GAA-related conditions. ClinVar contains an entry for this variant (Variation ID: 284232). Advanced modeling of protein sequence and biophysical properties (such as structural, functional, and spatial information, amino acid conservation, physicochemical variation, residue mobility, and thermodynamic stability) performed at Invitae indicates that this missense variant is expected to disrupt GAA protein function. In summary, the available evidence is currently insufficient to determine the role of this variant in disease. Therefore, it has been classified as a Variant of Uncertain Significance.

Laboratorio de Genetica e Diagnostico Molecular, Hospital Israelita Albert Einstein
Classification: Uncertain significance. Last evaluated: 2022-04-06. Review status: criteria provided, single submitter. Criteria: ACMG Guidelines, 2015. Collection method: clinical testing. Allele origin: germline. Affected: yes. Not counted in ClinVar's aggregate classification.
Comment: ACMG classification criteria: PM2, PP3

Genome-Nilou Lab
Classification: Uncertain significance for Glycogen storage disease, type II. Last evaluated: 2021-09-05. Review status: criteria provided, single submitter. Criteria: ACMG Guidelines, 2015. Collection method: clinical testing. Allele origin: germline. Affected: no. Not counted in ClinVar's aggregate classification.

Eurofins Ntd Llc (ga)
Classification: Uncertain significance. Last evaluated: 2016-11-22. Review status: criteria provided, single submitter. Criteria: EGL Classification Definitions 2015. Collection method: clinical testing. Allele origin: germline. Observed: 2 variant alleles, 2 heterozygotes. Not counted in ClinVar's aggregate classification.

Natera, Inc.
Classification: Uncertain significance for Glycogen storage disease type II. Last evaluated: 2020-03-25. Review status: no assertion criteria provided. Collection method: clinical testing. Allele origin: germline. Not counted in ClinVar's aggregate classification.

Literature cited by the submitters: PubMed 37507255 (cited by Genomenon, Inc); PubMed 27711114 (cited by Genomenon, Inc); PubMed 34305788 (cited by Genomenon, Inc); PubMed 30022036 (cited by Genomenon, Inc); PubMed 38087756 (cited by Women's Health and Genetics/Laboratory Corporation of America, LabCorp).

NM_000152.5(GAA):c.2510G>A (p.Arg837His)

Gene: GAA (alpha glucosidase; plus strand). Cytogenetic location: 17q25.3.
Variant type: single nucleotide variant.
Coding change: c.2510G>A on transcript NM_000152.5 (MANE Select); coding-DNA position 2510, G replaced by A.
Protein change: p.Arg837His; replaces arginine 837 with histidine.
Molecular consequence: missense variant.
Genome position (GRCh38, 1-based): chr17:80,118,221, G>A. VCF-style: chr17-80118221-G-A. GRCh37 (hg19) VCF-style: chr17-78092020-G-A.
Other names: NM_000152.5(GAA):c.2510G>A; p.Arg837His; c.2510G>A, p.Arg837His (NM_001079803.3, NM_001079804.3); short protein forms R837H.
Identifiers: ClinVar variation 284232 (VCV000284232.22), dbSNP rs746095374, ClinGen allele CA8815778.
Genomic context (GRCh38, chr17:80,118,221, plus strand): 5'-GATGATGACATCACGTGTCCTTCCCTTTCCAGGGCCCTGGCCTCACAACCACAGAGTCCC[G>A]CCAGCAGCCCATGGCCCTGGCTGTGGCCCTGACCAAGGGTGGGGAGGCCCGAGGGGAGCT-3'
Protein context (NP_000143.2, residues 827-847): QGPGLTTTES[Arg837His]QQPMALAVAL